The following is an entry in ClinVar:

NM_198880.3(QRICH1):c.1671+1G>A

Gene: QRICH1 (glutamine rich 1; minus strand). Cytogenetic location: 3p21.31.
Variant type: single nucleotide variant.
Coding change: c.1671+1G>A on transcript NM_198880.3 (MANE Select); the canonical splice donor site of the intron after coding-DNA position 1671, G replaced by A.
Molecular consequence: splice donor variant.
Genome position (GRCh38, 1-based): chr3:49,046,424, C>T on the plus strand (G>A on the coding strand, the complement: QRICH1 is on the minus strand). VCF-style: chr3-49046424-C-T. GRCh37 (hg19) VCF-style: chr3-49083857-C-T.
Other names: c.1671+1G>A (NM_001320584.1, NM_001320585.1, NM_017730.4 and 4 more transcripts).
Identifiers: ClinVar variation 4819127 (VCV004819127.2).
Genomic context (GRCh38, chr3:49,046,424, plus strand): 5'-ACTAGCAAACATCCAATAGGAACACAGCTCAAACATGTTCTTGTGAAGATCTGTTTCCTA[C>T]CTTTTGAATACACAGGAAAATATAGTAGAGCACATCTGGGTCATAGGGTTCACCTTCTCC-3'

ClinVar aggregate classification (germline): Pathogenic (1 of 4 stars; one submission).

Conditions:
Ververi-Brady syndrome 1. Identifiers: Orphanet 580940, MedGen C6065891, MONDO:0060707, OMIM 617982.

Submission:

Institute of Human Genetics, University of Leipzig Medical Center
Classification: Pathogenic for Ververi-Brady syndrome 1. Last evaluated: 2026-02-02. Review status: criteria provided, single submitter. Criteria: ACMG Guidelines, 2015. Collection method: clinical testing. Allele origin: unknown. Inheritance: Autosomal dominant inheritance. Affected: yes.
Comment: Criteria applied: PVS1,PM2